The following is an entry in ClinVar:

ClinVar aggregate classification (germline): Uncertain significance (1 of 4 stars; one submission).

gnomAD v4.1: 1 of 1,614,004 alleles (0.000062%); highest among the groups gnomAD compares: Admixed American, 0.0017%; no homozygotes.

Submission:

GeneDx
Classification: Uncertain significance. Last evaluated: 2025-03-14. Review status: criteria provided, single submitter. Criteria: GeneDx Variant Classification Process June 2021. Collection method: clinical testing. Allele origin: germline. Affected: yes.
Comment: Not observed at significant frequency in large population cohorts (gnomAD); In silico analysis is inconclusive as to whether the variant alters gene splicing. In the absence of RNA/functional studies, the actual effect of this sequence change is unknown; Has not been previously published as pathogenic or benign to our knowledge; Reported using an alternate transcript of the gene

NM_153676.4(USH1C):c.1261-3C>G

Gene: USH1C (USH1 protein network component harmonin; minus strand). Cytogenetic location: 11p15.1.
Variant type: single nucleotide variant.
Coding change: c.1261-3C>G on transcript NM_153676.4 (MANE Select); 3 bases into the intron before coding-DNA position 1261, C replaced by G.
Molecular consequence: intron variant.
Genome position (GRCh38, 1-based): chr11:17,512,057, G>C on the plus strand (C>G on the coding strand, the complement: USH1C is on the minus strand). VCF-style: chr11-17512057-G-C. GRCh37 (hg19) VCF-style: chr11-17533604-G-C.
Other names: c.1227+5344C>G (NM_001297764.2); c.1210+8813C>G (NM_001440687.1); c.1261-3C>G (NM_001440681.1); c.1284+5344C>G (NM_001440685.1, NM_005709.4, NM_001440682.1 and 1 more transcripts); c.1285-3C>G (NM_001440680.1); c.1260+5344C>G (NM_001440686.1); c.1317+5344C>G (NM_001440684.1); c.1318-3C>G (NM_001440679.1).
Identifiers: ClinVar variation 4083220 (VCV004083220.1).